The following is an entry in ClinVar:

NM_003119.4(SPG7):c.1486C>G (p.Leu496Val)

Gene: SPG7 (SPG7 matrix AAA peptidase subunit, paraplegin; plus strand). Cytogenetic location: 16q24.3.
Variant type: single nucleotide variant.
Coding change: c.1486C>G on transcript NM_003119.4 (MANE Select); coding-DNA position 1486, C replaced by G.
Protein change: p.Leu496Val; replaces leucine 496 with valine.
Molecular consequence: missense variant.
Genome position (GRCh38, 1-based): chr16:89,546,694, C>G. VCF-style: chr16-89546694-C-G. GRCh37 (hg19) VCF-style: chr16-89613102-C-G.
Other names: c.1486C>G (NM_003119.2); c.1486C>G, p.Leu496Val (NM_001363850.1); short protein forms L496V.
Identifiers: ClinVar variation 3709022 (VCV003709022.3).

ClinVar aggregate classification (germline): Uncertain significance. Review status: criteria provided, multiple submitters, no conflicts (2 of 4 stars). 2 submissions from 2 submitters: Uncertain significance (2). Last evaluated 2025-07-07.

Conditions:
Hereditary spastic paraplegia 7 (SPG7). Also called: SPASTIC PARAPLEGIA 7, AUTOSOMAL RECESSIVE, WITH OR WITHOUT CEREBELLAR ATAXIA; SPG7-related neurologic disorder; Spastic paraplegia 7; Hereditary spastic paraplegia Paraplegin type; Autosomal recessive spastic paraplegia type 7. Identifiers: Orphanet 99013, MedGen C1846564, MONDO:0011803, OMIM 607259.

gnomAD v4.1: 17 of 1,613,694 alleles (0.0011%); highest among the groups gnomAD compares: Non-Finnish European, 0.0014%; no homozygotes.

Submissions (2):

Athena Diagnostics
Classification: Uncertain significance. Last evaluated: 2025-07-07. Review status: criteria provided, single submitter. Criteria: Athena Diagnostics Criteria. Collection method: clinical testing. Allele origin: unknown.
Comment: Available data are insufficient to determine the clinical significance of the variant at this time. The frequency of this variant in the general population is uninformative in assessment of its pathogenicity. Polyphen and MutationTaster predict this amino acid change may be benign. The variant is located in a region that is considered important for protein function and/or structure.

Labcorp Genetics (formerly Invitae), Labcorp
Classification: Uncertain significance for Hereditary spastic paraplegia 7. Last evaluated: 2024-02-16. Review status: criteria provided, single submitter. Criteria: Invitae Variant Classification Sherloc (09022015). Collection method: clinical testing. Allele origin: germline.
Comment: This sequence change replaces leucine, which is neutral and non-polar, with valine, which is neutral and non-polar, at codon 496 of the SPG7 protein (p.Leu496Val). This variant is present in population databases (rs774506412, gnomAD 0.007%). This variant has not been reported in the literature in individuals affected with SPG7-related conditions. Advanced modeling of protein sequence and biophysical properties (such as structural, functional, and spatial information, amino acid conservation, physicochemical variation, residue mobility, and thermodynamic stability) performed at Invitae indicates that this missense variant is not expected to disrupt SPG7 protein function with a negative predictive value of 80%. In summary, the available evidence is currently insufficient to determine the role of this variant in disease. Therefore, it has been classified as a Variant of Uncertain Significance.